The following is an entry in ClinVar:

NM_001379500.1(COL18A1):c.1936G>A (p.Val646Met)

Gene: COL18A1 (collagen type XVIII alpha 1 chain; plus strand). Cytogenetic location: 21q22.3.
Variant type: single nucleotide variant.
Coding change: c.1936G>A on transcript NM_001379500.1 (MANE Select); coding-DNA position 1936, G replaced by A.
Protein change: p.Val646Met; replaces valine 646 with methionine.
Molecular consequence: missense variant.
Genome position (GRCh38, 1-based): chr21:45,489,498, G>A. VCF-style: chr21-45489498-G-A. GRCh37 (hg19) VCF-style: chr21-46909412-G-A.
Other names: NM_130445.2:c.1936G>A; c.2476G>A, p.Val826Met (NM_030582.4); c.3181G>A, p.Val1061Met (NM_130444.3); c.2476G>A (NM_030582.3); short protein forms V1061M, V646M, V826M.
Identifiers: ClinVar variation 1382011 (VCV001382011.6), dbSNP rs371970491, ClinGen allele CA10066690.

ClinVar aggregate classification (germline): Conflicting classifications of pathogenicity. Review status: criteria provided, conflicting classifications (1 of 4 stars). 3 submissions from 3 submitters: Uncertain significance (1); Likely benign (1). 1 of the submissions does not count toward it. Last evaluated 2026-02-02.

Conditions:
COL18A1-related disorder. Also called: COL18A1-related disorders; COL18A1-related condition.
Inborn genetic diseases. Identifiers: MedGen C0950123, MeSH D030342.

Allele frequency attached by ClinVar (database versions not stated): TOPMed 0.00015; ESP Exome Variant Server 0.00025; 1000 Genomes Project 0.00040; 1000 Genomes Project 30x 0.00047; gnomAD exomes 0.00007; ExAC 0.00014.

Submissions (3):

Labcorp Genetics (formerly Invitae), Labcorp
Classification: Uncertain significance. Last evaluated: 2026-02-02. Review status: criteria provided, single submitter. Criteria: Invitae Variant Classification Sherloc (09022015). Collection method: clinical testing. Allele origin: germline.
Comment: This sequence change replaces valine, which is neutral and non-polar, with methionine, which is neutral and non-polar, at codon 646 of the COL18A1 protein (p.Val646Met). This variant is present in population databases (rs371970491, gnomAD 0.06%). This variant has not been reported in the literature in individuals affected with COL18A1-related conditions. ClinVar contains an entry for this variant (Variation ID: 1382011). Experimental studies and prediction algorithms are not available or were not evaluated, and the functional significance of this variant is currently unknown. In summary, the available evidence is currently insufficient to determine the role of this variant in disease. Therefore, it has been classified as a Variant of Uncertain Significance.

Ambry Genetics
Classification: Likely benign for Inborn genetic diseases. Last evaluated: 2021-09-14. Review status: criteria provided, single submitter. Criteria: Ambry Variant Classification Scheme 2023. Collection method: clinical testing. Allele origin: germline.

PreventionGenetics, part of Exact Sciences
Classification: Uncertain significance for COL18A1-related condition. Last evaluated: 2024-09-12. Review status: no assertion criteria provided. Collection method: clinical testing. Allele origin: germline. Not counted in ClinVar's aggregate classification.
Comment: The COL18A1 c.2476G>A variant is predicted to result in the amino acid substitution p.Val826Met. To our knowledge, this variant has not been reported in the literature. This variant is reported in 0.059% of alleles in individuals of African descent in gnomAD, which is likely too common to be an unreported cause of disease. Although we suspect that this variant may be benign, at this time, the clinical significance of this variant is uncertain due to the absence of conclusive functional and genetic evidence.